The following is an entry in ClinVar:

NM_001277115.2(DNAH11):c.9181C>T (p.Gln3061Ter)

Gene: DNAH11 (dynein axonemal heavy chain 11; plus strand). Cytogenetic location: 7p15.3.
Variant type: single nucleotide variant.
Coding change: c.9181C>T on transcript NM_001277115.2 (MANE Select); coding-DNA position 9181, C replaced by T.
Protein change: p.Gln3061Ter; replaces glutamine 3061 with a stop codon.
Molecular consequence: nonsense.
Genome position (GRCh38, 1-based): chr7:21,773,844, C>T. VCF-style: chr7-21773844-C-T. GRCh37 (hg19) VCF-style: chr7-21813462-C-T.
Other names: c.9202C>T, p.Gln3068Ter (NM_003777.3); short protein forms Q3061*, Q3068*.
Identifiers: ClinVar variation 2696418 (VCV002696418.3), dbSNP rs2535217792, ClinGen allele CA366936503.

ClinVar aggregate classification (germline): Pathogenic (1 of 4 stars; one submission).

Conditions:
Primary ciliary dyskinesia. Also called: Ciliary dyskinesia. Identifiers: Orphanet 244, MedGen C0008780, MONDO:0016575, HP:0012265.

Allele frequency attached by ClinVar (database versions not stated): gnomAD exomes below 0.00001.
gnomAD v4.1: 1 of 1,608,628 alleles (0.000062%); highest among the groups gnomAD compares: East Asian, 0.0022%; no homozygotes.

Submission:

Labcorp Genetics (formerly Invitae), Labcorp
Classification: Pathogenic for Primary ciliary dyskinesia. Last evaluated: 2023-11-17. Review status: criteria provided, single submitter. Criteria: Invitae Variant Classification Sherloc (09022015). Collection method: clinical testing. Allele origin: germline.
Comment: This sequence change creates a premature translational stop signal (p.Gln3061*) in the DNAH11 gene. It is expected to result in an absent or disrupted protein product. Loss-of-function variants in DNAH11 are known to be pathogenic (PMID: 18022865, 20513915, 22184204). This variant is not present in population databases (gnomAD no frequency). This variant has not been reported in the literature in individuals affected with DNAH11-related conditions. Algorithms developed to predict the effect of sequence changes on RNA splicing suggest that this variant may disrupt the consensus splice site. For these reasons, this variant has been classified as Pathogenic.

Literature cited by the submitters: PubMed 18022865; PubMed 20513915; PubMed 22184204.